The following is an entry in ClinVar:

NM_006514.4(SCN10A):c.2681G>A (p.Ser894Asn)

Gene: SCN10A (sodium voltage-gated channel alpha subunit 10; minus strand). Cytogenetic location: 3p22.2.
Variant type: single nucleotide variant.
Coding change: c.2681G>A on transcript NM_006514.4 (MANE Select); coding-DNA position 2681, G replaced by A.
Protein change: p.Ser894Asn; replaces serine 894 with asparagine.
Molecular consequence: missense variant.
Genome position (GRCh38, 1-based): chr3:38,727,012, C>T on the plus strand (G>A on the coding strand, the complement: SCN10A is on the minus strand). VCF-style: chr3-38727012-C-T. GRCh37 (hg19) VCF-style: chr3-38768503-C-T.
Other names: c.2681G>A, p.Ser894Asn (NM_001293306.2); c.2387G>A, p.Ser796Asn (NM_001293307.2); short protein forms S796N, S894N.
Identifiers: ClinVar variation 3340946 (VCV003340946.1).

ClinVar aggregate classification (germline): Uncertain significance (1 of 4 stars; one submission).

Submission:

GeneDx
Classification: Uncertain significance. Last evaluated: 2023-12-24. Review status: criteria provided, single submitter. Criteria: GeneDx Variant Classification Process June 2021. Collection method: clinical testing. Allele origin: germline. Affected: yes.
Comment: Has not been previously published as pathogenic or benign to our knowledge; Not observed at significant frequency in large population cohorts (gnomAD); In silico analysis supports that this missense variant has a deleterious effect on protein structure/function, but is inconclusive as to whether the variant alters gene splicing; in the absence of RNA/functional studies, the actual effect of this sequence change is unknown